The following is an entry in ClinVar:

NM_001754.5(RUNX1):c.1212C>T (p.His404=)

Gene: RUNX1 (RUNX family transcription factor 1; minus strand). Cytogenetic location: 21q22.12.
Variant type: single nucleotide variant.
Coding change: c.1212C>T on transcript NM_001754.5 (MANE Select); coding-DNA position 1212, C replaced by T.
Protein change: p.His404=; no amino-acid change (histidine 404 retained).
Molecular consequence: synonymous variant.
Genome position (GRCh38, 1-based): chr21:34,792,366, G>A on the plus strand (C>T on the coding strand, the complement: RUNX1 is on the minus strand). VCF-style: chr21-34792366-G-A. GRCh37 (hg19) VCF-style: chr21-36164663-G-A.
Other names: NM_001754.5(RUNX1):c.1212C>T; p.His404=; c.1131C>T, p.His377= (NM_001001890.3).
Identifiers: ClinVar variation 3791462 (VCV003791462.1).

ClinVar aggregate classification (germline): Likely benign. Review status: reviewed by expert panel (3 of 4 stars). 2 submissions from 2 submitters: Likely benign (1). 1 of the submissions does not count toward it. Last evaluated 2025-07-14.

Conditions:
Inborn genetic diseases. Identifiers: MedGen C0950123, MeSH D030342.
Hereditary thrombocytopenia and hematologic cancer predisposition syndrome. Identifiers: Orphanet 71290, MedGen CN281654, MONDO:0011071.

Submissions (2):

ClinGen Myeloid Malignancy Variant Curation Expert Panel
Classification: Likely benign for Hereditary thrombocytopenia and hematologic cancer predisposition syndrome. Last evaluated: 2025-07-14. Review status: reviewed by expert panel. Criteria: ClinGen MyeloMalig ACMG Specifications v2. Collection method: curation. Allele origin: germline. Inheritance: Autosomal dominant inheritance.
Comment: NM_001754.5(RUNX1):c.1212C>T (p.His404=) is a synonymous variant which has a SpliceAI score ≤ 0.20 (0.0) (BP4). This variant has a SpliceAI score ≤ 0.20 (0.0) and evolutionary conservation prediction algorithms predict the site as not being conserved (PhyloP score ≤ 2.0 (0.87) (BP7). This variant is completely absent from all population databases with at least 20x coverage for RUNX1 (PM2_Supporting). In summary, this variant meets criteria to be classified as likely benign. ACMG/AMP criteria applied, as specified by the Myeloid Malignancy Variant Curation Expert Panel for RUNX1: BP4, BP7, PM2_supporting.

Ambry Genetics
Classification: Likely benign for Inborn genetic diseases. Last evaluated: 2024-12-12. Review status: criteria provided, single submitter. Criteria: Ambry Variant Classification Scheme 2023. Collection method: clinical testing. Allele origin: germline. Not counted in ClinVar's aggregate classification.